The following is an entry in ClinVar:

NM_152468.5(TMC8):c.433C>T (p.Pro145Ser)

Gene: TMC8 (transmembrane channel like 8; plus strand). Cytogenetic location: 17q25.3.
Variant type: single nucleotide variant.
Coding change: c.433C>T on transcript NM_152468.5 (MANE Select); coding-DNA position 433, C replaced by T.
Protein change: p.Pro145Ser; replaces proline 145 with serine.
Molecular consequence: missense variant.
Genome position (GRCh38, 1-based): chr17:78,132,493, C>T. VCF-style: chr17-78132493-C-T. GRCh37 (hg19) VCF-style: chr17-76128574-C-T.
Other names: short protein forms P145S.
Identifiers: ClinVar variation 2049407 (VCV002049407.4), dbSNP rs2510756280, ClinGen allele CA401242154.

ClinVar aggregate classification (germline): Uncertain significance (1 of 4 stars; one submission).

Conditions:
Epidermodysplasia verruciformis. Identifiers: Orphanet 302, MedGen C0014522, MONDO:0009176.

Submission:

Labcorp Genetics (formerly Invitae), Labcorp
Classification: Uncertain significance for Epidermodysplasia verruciformis. Last evaluated: 2021-12-24. Review status: criteria provided, single submitter. Criteria: Invitae Variant Classification Sherloc (09022015). Collection method: clinical testing. Allele origin: germline.
Comment: Algorithms developed to predict the effect of missense changes on protein structure and function are either unavailable or do not agree on the potential impact of this missense change (SIFT: "Tolerated"; PolyPhen-2: "Probably Damaging"; Align-GVGD: "Class C0"). This sequence change replaces proline, which is neutral and non-polar, with serine, which is neutral and polar, at codon 145 of the TMC8 protein (p.Pro145Ser). This variant is not present in population databases (gnomAD no frequency). This variant has not been reported in the literature in individuals affected with TMC8-related conditions. In summary, the available evidence is currently insufficient to determine the role of this variant in disease. Therefore, it has been classified as a Variant of Uncertain Significance.